The following is an entry in ClinVar:

NM_000171.4(GLRA1):c.1204G>A (p.Glu402Lys)

Gene: GLRA1 (glycine receptor alpha 1; minus strand). Cytogenetic location: 5q33.1.
Variant type: single nucleotide variant.
Coding change: c.1204G>A on transcript NM_000171.4 (MANE Select); coding-DNA position 1204, G replaced by A.
Protein change: p.Glu402Lys; replaces glutamic acid 402 with lysine.
Molecular consequence: missense variant.
Genome position (GRCh38, 1-based): chr5:151,822,819, C>T on the plus strand (G>A on the coding strand, the complement: GLRA1 is on the minus strand). VCF-style: chr5-151822819-C-T. GRCh37 (hg19) VCF-style: chr5-151202380-C-T.
Other names: c.1228G>A, p.Glu410Lys (NM_001146040.2); c.955G>A, p.Glu319Lys (NM_001292000.2); short protein forms E319K, E410K, E402K.
Identifiers: ClinVar variation 1497978 (VCV001497978.6), dbSNP rs1471630110, ClinGen allele CA361849937.
Genomic context (GRCh38, chr5:151,822,819, plus strand): 5'-CAATGCGGGATATTTTGTCGATCTTCTTGGCCCTCTGGATGAAGAGTTTTCGCATCTCCT[C>T]TGGGGACTTAGATGGTGCAGGAGGGGGGTTGGTGGTGTTACTGTTGTTGGCGCCCTTGAC-3'
Protein context (NP_000162.2, residues 392-412): NPPPAPSKSP[Glu402Lys]EMRKLFIQRA

ClinVar aggregate classification (germline): Uncertain significance (1 of 4 stars; one submission).

Conditions:
Hereditary hyperekplexia. Identifiers: Orphanet 3197, MedGen C4084968, MONDO:0021022.

Submission:

Labcorp Genetics (formerly Invitae), Labcorp
Classification: Uncertain significance for Hereditary hyperekplexia. Last evaluated: 2021-10-10. Review status: criteria provided, single submitter. Criteria: Invitae Variant Classification Sherloc (09022015). Collection method: clinical testing. Allele origin: germline.
Comment: In summary, the available evidence is currently insufficient to determine the role of this variant in disease. Therefore, it has been classified as a Variant of Uncertain Significance. Advanced modeling of protein sequence and biophysical properties (such as structural, functional, and spatial information, amino acid conservation, physicochemical variation, residue mobility, and thermodynamic stability) performed at Invitae indicates that this missense variant is not expected to disrupt GLRA1 protein function. This variant has not been reported in the literature in individuals affected with GLRA1-related conditions. This variant is not present in population databases (ExAC no frequency). This sequence change replaces glutamic acid with lysine at codon 402 of the GLRA1 protein (p.Glu402Lys). The glutamic acid residue is moderately conserved and there is a small physicochemical difference between glutamic acid and lysine.